The following is an entry in ClinVar:

NM_006267.5(RANBP2):c.83A>G (p.Lys28Arg)

Gene: RANBP2 (RAN binding protein 2; plus strand). Cytogenetic location: 2q13.
Variant type: single nucleotide variant.
Coding change: c.83A>G on transcript NM_006267.5 (MANE Select); coding-DNA position 83, A replaced by G.
Protein change: p.Lys28Arg; replaces lysine 28 with arginine.
Molecular consequence: missense variant.
Genome position (GRCh38, 1-based): chr2:108,729,142, A>G. VCF-style: chr2-108729142-A-G. GRCh37 (hg19) VCF-style: chr2-109345598-A-G.
Other names: short protein forms K28R.
Identifiers: ClinVar variation 934915 (VCV000934915.1), dbSNP rs1250035178, ClinGen allele CA348036304.
Genomic context (GRCh38, chr2:108,729,142, plus strand): 5'-TTGGAAAATATTTCTGTATGAAAAGTAAAACAACTTTTAATTTTTTTTAGAAGTCAATGA[A>G]AGGATTCTATTTTGCAAAGCTGTATTATGAAGCTAAAGAATATGATCTTGCTAAAAAGTA-3'
Protein context (NP_006258.3, residues 18-38): STPSPRQKSM[Lys28Arg]GFYFAKLYYE

ClinVar aggregate classification (germline): Uncertain significance (1 of 4 stars; one submission).

Conditions:
Familial acute necrotizing encephalopathy (IIAE3). Also called: ENCEPHALOPATHY, ACUTE, INFECTION-INDUCED, SUSCEPTIBILITY TO, 3; Susceptibility to Acute Necrotizing Encephalopathy 1. Identifiers: Orphanet 88619, MedGen C2675556, MONDO:0011953, OMIM 608033.

Allele frequency attached by ClinVar (database versions not stated): gnomAD exomes 0.00001.
gnomAD v4.1: 9 of 1,572,422 alleles (0.00057%); highest among the groups gnomAD compares: Non-Finnish European, 0.00069%; no homozygotes.

Submission:

Labcorp Genetics (formerly Invitae), Labcorp
Classification: Uncertain significance for Encephalopathy, acute, infection-induced, 3, suceptibility to. Last evaluated: 2019-06-03. Review status: criteria provided, single submitter. Criteria: Invitae Variant Classification Sherloc (09022015). Collection method: clinical testing. Allele origin: germline.
Comment: This sequence change replaces lysine with arginine at codon 28 of the RANBP2 protein (p.Lys28Arg). The lysine residue is highly conserved and there is a small physicochemical difference between lysine and arginine. This variant is not present in population databases (ExAC no frequency). This variant has not been reported in the literature in individuals with RANBP2-related conditions. Algorithms developed to predict the effect of missense changes on protein structure and function are either unavailable or do not agree on the potential impact of this missense change (SIFT: "Deleterious"; PolyPhen-2: "Benign"; Align-GVGD: "Class C25"). In summary, the available evidence is currently insufficient to determine the role of this variant in disease. Therefore, it has been classified as a Variant of Uncertain Significance.